The following is an entry in ClinVar:

NM_001286577.2(C2CD3):c.5227G>T (p.Gly1743Cys)

Gene: C2CD3 (C2 domain containing 3 centriole elongation regulator; minus strand). Cytogenetic location: 11q13.4.
Variant type: single nucleotide variant.
Coding change: c.5227G>T on transcript NM_001286577.2 (MANE Select); coding-DNA position 5227, G replaced by T.
Protein change: p.Gly1743Cys; replaces glycine 1743 with cysteine.
Molecular consequence: missense variant.
Genome position (GRCh38, 1-based): chr11:74,049,471, C>A on the plus strand (G>T on the coding strand, the complement: C2CD3 is on the minus strand). VCF-style: chr11-74049471-C-A. GRCh37 (hg19) VCF-style: chr11-73760516-C-A.
Other names: c.5227G>T, p.Gly1743Cys (NM_015531.6); short protein forms G1743C.
Identifiers: ClinVar variation 418738 (VCV000418738.4), dbSNP rs1064793399, ClinGen allele CA16619405.
Genomic context (GRCh38, chr11:74,049,471, plus strand): 5'-AGACAGCAACTTTTATCTGCCCCTGGCACTCTCCACTGAAGTCTGTGATGTTGTACCAGC[C>A]ACAGACAAACTGGAAGCCAGAGAGAAGTGGGGAGAGGTCCACCGAGGCAAAGCCAATCAC-3'
Protein context (NP_001273506.1, residues 1733-1753): PLLSGFQFVC[Gly1743Cys]WYNITDFSGE

ClinVar aggregate classification (germline): Conflicting classifications of pathogenicity. Review status: criteria provided, conflicting classifications (1 of 4 stars). 2 submissions from 2 submitters: Likely pathogenic (1); Uncertain significance (1). Last evaluated 2018-05-01.

Conditions:
Jeune thoracic dystrophy. Also called: Jeune syndrome; Infantile thoracic dystrophy; Thoracic pelvic phalangeal dystrophy; Jeune's syndrome; Chondroectodermal dysplasia-like syndrome; Short-rib thoracic dysplasia. Identifiers: Orphanet 474, MedGen C0265275, MONDO:0018770.

Allele frequency attached by ClinVar (database versions not stated): gnomAD exomes 0.00001.
gnomAD v4.1: 4 of 1,613,476 alleles (0.00025%); highest among the groups gnomAD compares: Non-Finnish European, 0.00025%; no homozygotes.

Submissions (2):

Rare Disease Group, Clinical Genetics, Karolinska Institutet
Classification: Uncertain significance for Jeune thoracic dystrophy. Last evaluated: 2018-05-01. Review status: criteria provided, single submitter. Criteria: ACMG Guidelines, 2015. Collection method: research. Allele origin: paternal. Inheritance: Autosomal recessive inheritance. Affected: yes.

GeneDx
Classification: Likely pathogenic. Last evaluated: 2015-04-06. Review status: criteria provided, single submitter. Criteria: GeneDx Variant Classification (06012015). Collection method: clinical testing. Allele origin: germline. Affected: yes.
Comment: The G1743C substitution in the C2CD3 gene has not been published as a pathogenic variant, nor has it been reported asa benign polymorphism to our knowledge. The G1743C variant was not observed in approximately 6500individuals of European and African American ancestry in the NHLBI Exome Sequencing Project,indicating it is not a common benign variant in these populations. The G1743C variant is a non-conservativeamino acid substitution, which is likely to impact secondary protein structure as these residues differ inpolarity, charge, size and/or other properties. This substitution occurs at a position that is conserved acrossspecies. In silico analysis predicts this variant is probably damaging to the protein structure/function. TheG1743C variant is a strong candidate for a pathogenic variant, however the possibility it may be arare benign variant cannot be excluded.